The following is an entry in ClinVar:

ClinVar aggregate classification (germline): Likely benign. Review status: criteria provided, multiple submitters, no conflicts (2 of 4 stars). 3 submissions from 3 submitters: Likely benign (2). 1 of the submissions does not count toward it. Last evaluated 2025-12-22.

Conditions:
Hyperammonemia, type III (NAGSD). Also called: Hyperammonemia due to N-acetylglutamate synthase deficiency. Identifiers: Orphanet 927, MedGen C0268543, MONDO:0009377, OMIM 237310.

Allele frequency attached by ClinVar (database versions not stated): gnomAD 0.00004 and 0.00009; gnomAD exomes 0.00012 and 0.00026; TOPMed 0.00012; ExAC 0.00045; 1000 Genomes Project 0.00120; 1000 Genomes Project 30x 0.00141.
gnomAD v4.1: 173 of 1,562,470 alleles (0.011%); highest among the groups gnomAD compares: East Asian, 0.41%; no homozygotes.

Submissions (3):

Labcorp Genetics (formerly Invitae), Labcorp
Classification: Likely benign for Hyperammonemia, type III. Last evaluated: 2025-12-22. Review status: criteria provided, single submitter. Criteria: Invitae Variant Classification Sherloc (09022015). Collection method: clinical testing. Allele origin: germline.

Illumina Laboratory Services, Illumina
Classification: Likely benign for Hyperammonemia, type III. Last evaluated: 2018-01-13. Review status: criteria provided, single submitter. Criteria: ICSL Variant Classification Criteria 13 December 2019. Collection method: clinical testing. Allele origin: germline.
Comment: This variant was observed in the ICSL laboratory as part of a predisposition screen in an ostensibly healthy population. It had not been previously curated by ICSL or reported in the Human Gene Mutation Database (HGMD: prior to June 1st, 2018), and was therefore a candidate for classification through an automated scoring system. Utilizing variant allele frequency, disease prevalence and penetrance estimates, and inheritance mode, an automated score was calculated to assess if this variant is too frequent to cause the disease. Based on the score and internal cut-off values, a variant classified as likely benign is not then subjected to further curation. The score for this variant resulted in a classification of likely benign for this disease.

Natera, Inc.
Classification: Uncertain significance for Hyperammonemia type III. Last evaluated: 2020-01-17. Review status: no assertion criteria provided. Collection method: clinical testing. Allele origin: germline. Not counted in ClinVar's aggregate classification.

NM_153006.3(NAGS):c.940G>A (p.Ala314Thr)

Gene: NAGS (N-acetylglutamate synthase; plus strand). Cytogenetic location: 17q21.31.
Variant type: single nucleotide variant.
Coding change: c.940G>A on transcript NM_153006.3 (MANE Select); coding-DNA position 940, G replaced by A.
Protein change: p.Ala314Thr; replaces alanine 314 with threonine.
Molecular consequence: missense variant.
Genome position (GRCh38, 1-based): chr17:44,006,553, G>A. VCF-style: chr17-44006553-G-A. GRCh37 (hg19) VCF-style: chr17-42083921-G-A.
Other names: short protein forms A314T.
Identifiers: ClinVar variation 708226 (VCV000708226.15), dbSNP rs186127828, ClinGen allele CA8595279.
Genomic context (GRCh38, chr17:44,006,553, plus strand): 5'-CTGTGGGCCAGGCTCACCCGCTGACTCCGGACACAGGTCCTGAGTAACGTGAACCTGCCC[G>A]CCGACCTGGACCTGGTGTGCAACGCCGAGTGGGTGAGCACAAAAGAACGGCAGCAGATGC-3'
Protein context (NP_694551.1, residues 304-324): HKVLSNVNLP[Ala314Thr]DLDLVCNAEW